The following is an entry in ClinVar:

ClinVar aggregate classification (germline): Uncertain significance (1 of 4 stars; one submission).

Allele frequency attached by ClinVar (database versions not stated): gnomAD exomes 0.00001.
gnomAD v4.1: 4 of 1,614,144 alleles (0.00025%); highest among the groups gnomAD compares: Admixed American, 0.005%; no homozygotes.

Submission:

GeneDx
Classification: Uncertain significance. Last evaluated: 2021-05-10. Review status: criteria provided, single submitter. Criteria: GeneDx Variant Classification Process June 2021. Collection method: clinical testing. Allele origin: germline. Affected: yes.
Comment: In silico analysis supports that this missense variant has a deleterious effect on protein structure/function; Has not been previously published as pathogenic or benign to our knowledge

NM_001395656.1(ROBO2):c.509A>G (p.Asp170Gly)

Gene: ROBO2 (roundabout guidance receptor 2; plus strand). Cytogenetic location: 3p12.3.
Variant type: single nucleotide variant.
Coding change: c.509A>G on transcript NM_001395656.1 (MANE Select); coding-DNA position 509, A replaced by G.
Protein change: p.Asp170Gly; replaces aspartic acid 170 with glycine.
Molecular consequence: missense variant. On other transcripts: 5 prime UTR variant (1).
Genome position (GRCh38, 1-based): chr3:77,477,534, A>G. VCF-style: chr3-77477534-A-G. GRCh37 (hg19) VCF-style: chr3-77526685-A-G.
Other names: c.557A>G, p.Asp186Gly (NM_001128929.3, NM_001378190.1, NM_001378191.1 and 5 more transcripts); c.509A>G, p.Asp170Gly (NM_001290039.2, NM_001290040.2, NM_001378193.1 and 3 more transcripts); c.-1410A>G (NM_001290065.2); c.578A>G, p.Asp193Gly (NM_001378192.1, NM_001378194.1, NM_001378198.1 and 5 more transcripts); short protein forms D170G, D186G, D193G.
Identifiers: ClinVar variation 1321637 (VCV001321637.3), dbSNP rs1295649643, ClinGen allele CA353574614.